The following is an entry in ClinVar:

NM_001386298.1(CIC):c.7422C>G (p.Asp2474Glu)

Gene: CIC (capicua transcriptional repressor; plus strand). Cytogenetic location: 19q13.2.
Variant type: single nucleotide variant.
Coding change: c.7422C>G on transcript NM_001386298.1 (MANE Select); coding-DNA position 7422, C replaced by G.
Protein change: p.Asp2474Glu; replaces aspartic acid 2474 with glutamic acid.
Molecular consequence: missense variant.
Genome position (GRCh38, 1-based): chr19:42,295,059, C>G. VCF-style: chr19-42295059-C-G. GRCh37 (hg19) VCF-style: chr19-42799211-C-G.
Other names: c.7422C>G, p.Asp2474Glu (NM_001304815.2); c.7419C>G, p.Asp2473Glu (NM_001379480.1, NM_001379482.1, NM_001379483.1); c.4689C>G, p.Asp1563Glu (NM_001379484.1); c.4686C>G, p.Asp1562Glu (NM_001379485.1); c.4695C>G, p.Asp1565Glu (NM_015125.5); short protein forms D1562E, D1563E, D1565E, D2473E, D2474E.
Identifiers: ClinVar variation 3250839 (VCV003250839.18), dbSNP rs2514108969.
Genomic context (GRCh38, chr19:42,295,059, plus strand): 5'-TGCCCCTGCCCCCACTCCCAGCCCCGCAGGGGGCCCTGACCCCACCTCACCCAGCTCGGA[C>G]TCTGGCACGGCCCAGGCTGCCCCGCCACTGCCTCCACCCCCAGAGTCGGGGCCTGGACAG-3'
Protein context (NP_001373227.1, residues 2464-2484): GGPDPTSPSS[Asp2474Glu]SGTAQAAPPL

ClinVar aggregate classification (germline): Uncertain significance (1 of 4 stars; one submission).

Submission:

CeGaT Center for Human Genetics Tuebingen
Classification: Uncertain significance. Last evaluated: 2024-06-01. Review status: criteria provided, single submitter. Criteria: CeGaT Center For Human Genetics Tuebingen Variant Classification Criteria Version 2. Collection method: clinical testing. Allele origin: germline. Affected: yes. Observed: 1 variant allele.
Comment: CIC: PM2, PS2:Supporting, BP1